The following is an entry in ClinVar:

ClinVar aggregate classification (germline): Uncertain significance (1 of 4 stars; one submission).

Conditions:
Cardiovascular phenotype. Identifiers: MedGen CN230736.

Submission:

Ambry Genetics
Classification: Uncertain significance for Cardiovascular phenotype. Last evaluated: 2025-08-28. Review status: criteria provided, single submitter. Criteria: Ambry Variant Classification Scheme 2023. Collection method: clinical testing. Allele origin: germline.
Comment: The p.R92S variant (also known as c.274C>A), located in coding exon 1 of the KCND3 gene, results from a C to A substitution at nucleotide position 274. The arginine at codon 92 is replaced by serine, an amino acid with dissimilar properties. This amino acid position is conserved. In addition, the in silico prediction for this alteration is inconclusive. Based on the available evidence, the clinical significance of this variant remains unclear.

NM_001378969.1(KCND3):c.274C>A (p.Arg92Ser)

Gene: KCND3 (potassium voltage-gated channel subfamily D member 3; minus strand). Cytogenetic location: 1p13.2.
Variant type: single nucleotide variant.
Coding change: c.274C>A on transcript NM_001378969.1 (MANE Select); coding-DNA position 274, C replaced by A.
Protein change: p.Arg92Ser; replaces arginine 92 with serine.
Molecular consequence: missense variant.
Genome position (GRCh38, 1-based): chr1:111,982,453, G>T on the plus strand (C>A on the coding strand, the complement: KCND3 is on the minus strand). VCF-style: chr1-111982453-G-T. GRCh37 (hg19) VCF-style: chr1-112525075-G-T.
Other names: c.274C>A, p.Arg92Ser (NM_001378970.1, NM_004980.5, NM_172198.3); short protein forms R92S.
Identifiers: ClinVar variation 4090222 (VCV004090222.1).